The following is an entry in ClinVar:

NM_014363.6(SACS):c.247T>C (p.Leu83=)

Gene: SACS (sacsin molecular chaperone; minus strand). Cytogenetic location: 13q12.12.
Variant type: single nucleotide variant.
Coding change: c.247T>C on transcript NM_014363.6 (MANE Select); coding-DNA position 247, T replaced by C.
Protein change: p.Leu83=; no amino-acid change (leucine 83 retained).
Molecular consequence: synonymous variant. On other transcripts: intron variant (1).
Genome position (GRCh38, 1-based): chr13:23,371,090, A>G on the plus strand (T>C on the coding strand, the complement: SACS is on the minus strand). VCF-style: chr13-23371090-A-G. GRCh37 (hg19) VCF-style: chr13-23945229-A-G.
Other names: c.-182-2603T>C (NM_001278055.2).
Identifiers: ClinVar variation 586427 (VCV000586427.6), dbSNP rs1470292816, ClinGen allele CA482925356.
Genomic context (GRCh38, chr13:23,371,090, plus strand): 5'-TTGTGCAACCCAACATGGTATATACTTCTGGTAAAGTCAATATTATACCTCCCCCTTTTA[A>G]GCCTTTTGATTGAAGGTTTACAAAAAGATGACAATTTTTGGAAGTCAGATCTCCAATCTT-3'
Protein context (NP_055178.3, residues 73-93): HLFVNLQSKG[Leu83=]KGGGRFGQTT

ClinVar aggregate classification (germline): Conflicting classifications of pathogenicity. Review status: criteria provided, conflicting classifications (1 of 4 stars). 3 submissions from 3 submitters: Uncertain significance (1); Likely benign (1). 1 of the submissions does not count toward it. Last evaluated 2024-04-24.

Conditions:
Spastic paraplegia. Identifiers: MedGen C0037772, HP:0001258.
Charlevoix-Saguenay spastic ataxia (SACS). Also called: SPASTIC ATAXIA 6, AUTOSOMAL RECESSIVE; AUTOSOMAL RECESSIVE SPASTIC ATAXIA OF CHARLEVOIX-SAGUENAY; Spastic ataxia of Charlevoix-Saguenay. Identifiers: Orphanet 98, MedGen C1849140, MONDO:0010041, OMIM 270550.

Allele frequency attached by ClinVar (database versions not stated): gnomAD exomes below 0.00001; TOPMed 0.00001.
gnomAD v4.1: 5 of 1,602,218 alleles (0.00031%); highest among the groups gnomAD compares: Non-Finnish European, 0.00026%; no homozygotes.

Submissions (3):

Athena Diagnostics
Classification: Uncertain significance. Last evaluated: 2024-04-24. Review status: criteria provided, single submitter. Criteria: Athena Diagnostics Criteria. Collection method: clinical testing. Allele origin: unknown.
Comment: Available data are insufficient to determine the clinical significance of the variant at this time. This variant has not been reported in large, multi-ethnic general populations. Five splicing algorithms were used to analyze the possible effect of this variant on splicing. The majority of the algorithms failed to recognize the nearest natural splice sites, therefore the effect of this variant on normal splicing cannot be determined.

Labcorp Genetics (formerly Invitae), Labcorp
Classification: Likely benign for Spastic paraplegia. Last evaluated: 2023-10-27. Review status: criteria provided, single submitter. Criteria: Invitae Variant Classification Sherloc (09022015). Collection method: clinical testing. Allele origin: germline.

Natera, Inc.
Classification: Uncertain significance for Charlevoix-Saguenay type spastic ataxia. Last evaluated: 2020-08-29. Review status: no assertion criteria provided. Collection method: clinical testing. Allele origin: germline. Not counted in ClinVar's aggregate classification.